The following is an entry in ClinVar:

ClinVar aggregate classification (germline): Uncertain significance (1 of 4 stars; one submission).

Submission:

GeneDx
Classification: Uncertain significance. Last evaluated: 2022-10-06. Review status: criteria provided, single submitter. Criteria: GeneDx Variant Classification Process June 2021. Collection method: clinical testing. Allele origin: germline. Affected: yes.
Comment: Not observed at significant frequency in large population cohorts (gnomAD); In silico analysis supports that this missense variant has a deleterious effect on protein structure/function; Has not been previously published as pathogenic or benign to our knowledge

NM_020937.4(FANCM):c.263A>T (p.Asn88Ile)

Gene: FANCM (FA complementation group M; plus strand). Cytogenetic location: 14q21.2.
Variant type: single nucleotide variant.
Coding change: c.263A>T on transcript NM_020937.4 (MANE Select); coding-DNA position 263, A replaced by T.
Protein change: p.Asn88Ile; replaces asparagine 88 with isoleucine.
Molecular consequence: missense variant.
Genome position (GRCh38, 1-based): chr14:45,136,294, A>T. VCF-style: chr14-45136294-A-T. GRCh37 (hg19) VCF-style: chr14-45605497-A-T.
Other names: c.263A>T, p.Asn88Ile (NM_001308133.2, NM_001308134.2); short protein forms N88I.
Identifiers: ClinVar variation 2497832 (VCV002497832.1), dbSNP rs1566716433, ClinGen allele CA389587636.
Genomic context (GRCh38, chr14:45,136,294, plus strand): 5'-TGTGTCTAGAGAATGGCGGGTTCTGCACCTCCGCGGGCGCCCTGTGGATTTACCCTACCA[A>T]TTGCCCAGTGCGGGACTACCAGCTGCACATTTCCCGGGCTGCTCTGTTTTGCAATACGCT-3'
Protein context (NP_065988.1, residues 78-98): SAGALWIYPT[Asn88Ile]CPVRDYQLHI